The following is an entry in ClinVar:

ClinVar aggregate classification (germline): Uncertain significance. Review status: criteria provided, multiple submitters, no conflicts (2 of 4 stars). 13 submissions from 13 submitters: Uncertain significance (11). 2 of the submissions do not count toward it. Last evaluated 2025-10-22.

Conditions:
Hereditary breast ovarian cancer syndrome. Also called: Hereditary breast and ovarian cancer syndrome; Hereditary breast and ovarian cancer; Hereditary breast and ovarian cancer syndrome (HBOC); Hereditary breast and/or ovarian cancer syndrome; Breast and ovarian cancer; BRCA1- and BRCA2-Associated Hereditary Breast and Ovarian Cancer. Identifiers: Orphanet 145, MedGen C0677776, MeSH D061325, MONDO:0003582. Disease mechanism: loss of function.
Breast and/or ovarian cancer. Identifiers: MedGen CN221562.
CHEK2-related cancer predisposition (TPDS4). Also called: TUMOR PREDISPOSITION SYNDROME 4; CANCER PREDISPOSITION SYNDROME, CHEK2-RELATED; CHEK2-related cancer susceptibility. Identifiers: Orphanet 524, MedGen C5882668, MONDO:0700271, OMIM 609265.
Familial cancer of breast. Also called: hereditary breast carcinoma; Hereditary breast cancer; BREAST CANCER, FAMILIAL. Identifiers: Orphanet 227535, MedGen C0346153, MONDO:0016419, OMIM 114480. Disease mechanism: loss of function.
Hereditary cancer-predisposing syndrome. Also called: Hereditary Cancer Syndrome; Tumor predisposition; Hereditary neoplastic syndrome; Neoplastic Syndromes, Hereditary. Identifiers: Orphanet 140162, MedGen C0027672, MeSH D009386, MONDO:0015356.

Allele frequency attached by ClinVar (database versions not stated): gnomAD exomes below 0.00001 and 0.00002.
gnomAD v4.1: 23 of 1,612,416 alleles (0.0014%); highest among the groups gnomAD compares: Non-Finnish European, 0.002%; no homozygotes.

Submissions (13):

Ambry Genetics
Classification: Uncertain significance for Hereditary cancer-predisposing syndrome. Last evaluated: 2025-10-22. Review status: criteria provided, single submitter. Criteria: Ambry Variant Classification Scheme 2023. Collection method: clinical testing. Allele origin: germline.
Comment: The p.H345Y variant (also known as c.1033C>T), located in coding exon 9 of the CHEK2 gene, results from a C to T substitution at nucleotide position 1033. The histidine at codon 345 is replaced by tyrosine, an amino acid with similar properties. This alteration has been reported in both breast and/or ovarian cancer cohort patients, as well as unaffected control individuals across studies (Decker B et al. J Med Genet, 2017 Nov;54:732-741; Dorling et al. N Engl J Med 2021 02;384:428-439; Hauke J et al. Cancer Med, 2018 Apr;7:1349-1358; Song H et al. J Med Genet, 2021 May;58:305-313). This alteration was reported as functionally impaired in a study assessing CHEK2-complementation through quantification of KAP1 phosphorylation and CHK2 autophosphorylation in human RPE1-CHEK2-knockout cells (Stolarova L et al. Clin Cancer Res, 2023 Aug;29:3037-3050). This amino acid position is highly conserved in available vertebrate species. In addition, this alteration is predicted to be deleterious by in silico analysis. Since supporting evidence is limited at this time, the clinical significance of this alteration remains unclear.

Molecular Pathology, Peter Maccallum Cancer Centre
Classification: Uncertain significance for Familial cancer of breast. Last evaluated: 2025-05-27. Review status: criteria provided, single submitter. Criteria: ACMG Guidelines, 2015. Collection method: clinical testing. Allele origin: germline. Inheritance: Autosomal dominant inheritance.

Hema, HEMA – Genetic and Molecular Diagnostic Laboratory
Classification: Uncertain significance for CHEK2-related cancer predisposition. Last evaluated: 2025-01-17. Review status: criteria provided, single submitter. Criteria: HEMA Variant Classification Assertion Criteria. Collection method: clinical testing. Allele origin: germline.
Comment: The c.1033C>T p.(His345Tyr) variant is a transition from cytosine to thymine that results in the substitution of histidine 345 with tyrosine in the CHEK2 protein. PS3_Supporting: Functional studies showed that the variant affects the protein function (PMID: 37449874). PM2_Supporting: Present at very low frequency in the gnomAD database. PP3_Moderate: The computational meta-predictor REVEL score = 0.914 ≥ 0.773, indicating that the variant would affect the function of CHEK2.

Labcorp Genetics (formerly Invitae), Labcorp
Classification: Uncertain significance for Familial cancer of breast. Last evaluated: 2024-10-12. Review status: criteria provided, single submitter. Criteria: Invitae Variant Classification Sherloc (09022015). Collection method: clinical testing. Allele origin: germline.
Comment: This sequence change replaces histidine, which is basic and polar, with tyrosine, which is neutral and polar, at codon 345 of the CHEK2 protein (p.His345Tyr). This variant is present in population databases (no rsID available, gnomAD 0.0009%). This missense change has been observed in individual(s) with prostate cancer (PMID: 32923906). This variant is also known as c.1162C>T (p.His388Tyr). ClinVar contains an entry for this variant (Variation ID: 220465). An algorithm developed to predict the effect of missense changes on protein structure and function (PolyPhen-2) suggests that this variant is likely to be disruptive. In summary, the available evidence is currently insufficient to determine the role of this variant in disease. Therefore, it has been classified as a Variant of Uncertain Significance.

German Consortium for Hereditary Breast and Ovarian Cancer, University Hospital Cologne
Classification: Uncertain significance for Hereditary breast ovarian cancer syndrome. Last evaluated: 2024-06-11. Review status: criteria provided, single submitter. Criteria: ACMG Guidelines, 2015. Collection method: curation. Allele origin: germline.
Comment: BRIDGES 2X in 60466 cases and 2X in 53461 controls; 2X in GC-HBOC database; According to the ACMG SVI adaptation criteria we chose these criteria: PS3 (medium pathogenic): Stolarova 2023: KAP1: impaired (0,081); CHK2 impaired (0,457), PM2 (supporting pathogenic): n=1 in gnomAD v2, absent in v3, PP3 (supporting pathogenic): Revel 0.914

Baylor Genetics
Classification: Uncertain significance for Familial cancer of breast. Last evaluated: 2023-10-11. Review status: criteria provided, single submitter. Criteria: ACMG Guidelines, 2015. Collection method: clinical testing. Allele origin: unknown.

Department of Pathology and Laboratory Medicine, Sinai Health System
Classification: Uncertain significance for CHEK2-related cancer predisposition. Last evaluated: 2023-03-10. Review status: criteria provided, single submitter. Criteria: ACMG Guidelines, 2015. Collection method: clinical testing. Allele origin: germline. Affected: yes.

Myriad Genetics, Inc.
Classification: Uncertain significance for Familial cancer of breast. Last evaluated: 2023-03-08. Review status: criteria provided, single submitter. Criteria: Myriad Autosomal Dominant, Autosomal Recessive and X-Linked Classification Criteria (2023). Collection method: clinical testing. Allele origin: unknown.
Comment: This variant is classified as a variant of uncertain significance as there is insufficient evidence to determine its impact on protein function and/or cancer risk.

CHEO Genetics Diagnostic Laboratory, Children's Hospital of Eastern Ontario
Classification: Uncertain significance for Breast and/or ovarian cancer. Last evaluated: 2021-06-15. Review status: criteria provided, single submitter. Criteria: ACMG Guidelines, 2015. Collection method: clinical testing. Allele origin: germline.

GeneDx
Classification: Uncertain significance. Last evaluated: 2019-07-26. Review status: criteria provided, single submitter. Criteria: GeneDx Variant Classification Process June 2021. Collection method: clinical testing. Allele origin: germline. Affected: yes.
Comment: Not observed at a significant frequency in large population cohorts (Lek 2016); In silico analysis supports that this missense variant has a deleterious effect on protein structure/function; Has not been previously published as pathogenic or benign to our knowledge

Color Diagnostics, LLC DBA Color Health
Classification: Uncertain significance for Hereditary cancer-predisposing syndrome. Last evaluated: 2019-02-08. Review status: criteria provided, single submitter. Criteria: ACMG Guidelines, 2015. Collection method: clinical testing. Allele origin: germline.

Department of Genetics, HCU Lozano Blesa
Classification: Likely pathogenic for CHEK2-related cancer predisposition. Last evaluated: 2023-05-01. Review status: no assertion criteria provided. Collection method: clinical testing. Allele origin: germline. Affected: yes. Observed: 1 variant allele. Not counted in ClinVar's aggregate classification.
Comment: Variant summary: CHEK2 c.1033C>T results in the replacement of His345 by a Tyr residue (p.His345Tyr). The variant was identified in 1 out of 396 patients analysed (freq: 0.0025, doi: 10.3389/fgene.2023.1274108). His345 is located in the kinase domain, and is part of the well-conserved motif HRD (His345–Arg-346–Asp347) in the catalytic loop of the protein. In this motif, His345 establishes an H-bond with the key catalytic residue Asp347. Thus, its replacement by a Tyr residue (bulkier) may detrimentally affect the catalytic activity of the protein. In addition, His345 forms a fair H-bond (~2.7 Å) with the backbone of Asp368, located in the activation T-loop crucial for homodimerization. The variant is reported in gnomAD v4 in 23 cases out of 1460156 alleles analysed (freq=1.6x10-3 %). In ClinVar 8 reports appear classifying the variant as of Uncertain significance. Other replacements found at this position (H345Q, H345P, H345R, H345L, and H345D) are also classified by ClinVar as of Uncertain Significance. The metapredictor PirePred (relies on verdicts from other 15 predictor or metapredictor tools) and the AI-based predictor AlphaMissense classify His345Tyr as Pathogenic, whereas the ACMG classification tool Franklin suggests this variant as VUS (Uncertain Significance). Our in-silico study on the protein stability based on relaxation molecular dynamics simulations (doi: 10.3389/fgene.2023.1274108) indicates that His345Tyr induces conformational unstability on CHEK2 protein. Moreover, Stolarova L. et al’s functional study on KAP1 phosphorylation and CHEK2 autophosphorylation protein capability reports this variant as functionally impaired (PMID: 37449874). With all this information, we believe this variant have more chances of being Pathogenic.

Counsyl
Classification: Uncertain significance for Familial cancer of breast. Last evaluated: 2018-02-20. Review status: no assertion criteria provided. Collection method: clinical testing. Allele origin: unknown. Not counted in ClinVar's aggregate classification.

Literature cited by the submitters: PubMed 28779002 (cited by Ambry Genetics and Department of Pathology and Laboratory Medicine, Sinai Health System); PubMed 29522266 (cited by Ambry Genetics and Department of Pathology and Laboratory Medicine, Sinai Health System); PubMed 32546565 (cited by Ambry Genetics); PubMed 33471991 (cited by Ambry Genetics and Department of Pathology and Laboratory Medicine, Sinai Health System); PubMed 37449874 (cited by Ambry Genetics and Hema, HEMA – Genetic and Molecular Diagnostic Laboratory); PubMed 32923906 (cited by Labcorp Genetics (formerly Invitae), Labcorp); DOI 10.3389/fgene.2023.1274108 (cited by Department of Genetics, HCU Lozano Blesa).

NM_007194.4(CHEK2):c.1033C>T (p.His345Tyr)

Gene: CHEK2 (checkpoint kinase 2; minus strand). Cytogenetic location: 22q12.1.
Variant type: single nucleotide variant.
Coding change: c.1033C>T on transcript NM_007194.4 (MANE Select); coding-DNA position 1033, C replaced by T.
Protein change: p.His345Tyr; replaces histidine 345 with tyrosine.
Molecular consequence: missense variant. On other transcripts: intron variant (3).
Genome position (GRCh38, 1-based): chr22:28,696,963, G>A on the plus strand (C>T on the coding strand, the complement: CHEK2 is on the minus strand). VCF-style: chr22-28696963-G-A. GRCh37 (hg19) VCF-style: chr22-29092951-G-A.
Other names: c.1162C>T, p.His388Tyr (NM_001005735.3); c.370C>T, p.His124Tyr (NM_001257387.3, NM_001437942.1); c.832C>T, p.His278Tyr (NM_001349956.3); c.1126C>T, p.His376Tyr (NM_001438293.1); c.1009-1090C>T (NM_145862.3); c.1102-1090C>T (NM_001438295.1); c.1138-1090C>T (NM_001438294.1); short protein forms H345Y, H388Y, H278Y, H124Y, H376Y.
Identifiers: ClinVar variation 220465 (VCV000220465.31), dbSNP rs864622537, ClinGen allele CA349964.